The following is an entry in ClinVar:

NM_000553.6(WRN):c.1798T>C (p.Ser600Pro)

Gene: WRN (WRN RecQ like helicase; plus strand). Cytogenetic location: 8p12.
Variant type: single nucleotide variant.
Coding change: c.1798T>C on transcript NM_000553.6 (MANE Select); coding-DNA position 1798, T replaced by C.
Protein change: p.Ser600Pro; replaces serine 600 with proline.
Molecular consequence: missense variant.
Genome position (GRCh38, 1-based): chr8:31,090,911, T>C. VCF-style: chr8-31090911-T-C. GRCh37 (hg19) VCF-style: chr8-30948427-T-C.
Other names: short protein forms S600P.
Identifiers: ClinVar variation 403980 (VCV000403980.5), dbSNP rs1060500057, ClinGen allele CA16612485.

ClinVar aggregate classification (germline): Uncertain significance (1 of 4 stars; one submission).

Conditions:
Werner syndrome (WRN). Identifiers: Orphanet 902, MedGen C0043119, MONDO:0010196, OMIM 277700.

Allele frequency attached by ClinVar (database versions not stated): gnomAD exomes below 0.00001.
gnomAD v4.1: 1 of 1,613,060 alleles (0.000062%); highest among the groups gnomAD compares: Non-Finnish European, 0.000085%; no homozygotes.

Submission:

Labcorp Genetics (formerly Invitae), Labcorp
Classification: Uncertain significance for Werner syndrome. Last evaluated: 2022-06-10. Review status: criteria provided, single submitter. Criteria: Invitae Variant Classification Sherloc (09022015). Collection method: clinical testing. Allele origin: germline.
Comment: This sequence change replaces serine, which is neutral and polar, with proline, which is neutral and non-polar, at codon 600 of the WRN protein (p.Ser600Pro). This variant is not present in population databases (gnomAD no frequency). This variant has not been reported in the literature in individuals affected with WRN-related conditions. ClinVar contains an entry for this variant (Variation ID: 403980). Algorithms developed to predict the effect of missense changes on protein structure and function are either unavailable or do not agree on the potential impact of this missense change (SIFT: "Not Available"; PolyPhen-2: "Probably Damaging"; Align-GVGD: "Not Available"). In summary, the available evidence is currently insufficient to determine the role of this variant in disease. Therefore, it has been classified as a Variant of Uncertain Significance.